The following is an entry in ClinVar:

ClinVar aggregate classification (germline): Likely pathogenic (1 of 4 stars; one submission).

Submission:

GeneDx
Classification: Likely pathogenic. Last evaluated: 2026-02-25. Review status: criteria provided, single submitter. Criteria: GeneDx Variant Classification Process June 2021. Collection method: clinical testing. Allele origin: germline.
Comment: Intronic variant directly or indirectly altering the +5 splice site in a gene for which loss of function is a known mechanism of disease, and splice predictors support a deleterious effect; Has not been previously published as pathogenic or benign to our knowledge

NM_001292063.2(OTOG):c.2486+2dup

Gene: OTOG (otogelin; plus strand). Cytogenetic location: 11p15.1.
Variant type: Duplication.
Coding change: c.2486+2dup on transcript NM_001292063.2 (MANE Select); the canonical splice donor site of the intron after coding-DNA position 2486, one base duplicated (T; older notation c.2486+2dupT).
Molecular consequence: splice donor variant.
Genome position (GRCh38, 1-based): chr11:17,574,914, T duplicated. VCF-style (leftmost placement, unchanged base first): chr11-17574913-G-GT. GRCh37 (hg19) VCF-style: chr11-17596460-G-GT.
Other names: c.2522+2dup (NM_001277269.2).
Identifiers: ClinVar variation 4755843 (VCV004755843.2).